The following is an entry in ClinVar:

ClinVar aggregate classification (germline): Uncertain significance (1 of 4 stars; one submission).

Conditions:
Koolen-de Vries syndrome (KDVS). Identifiers: Orphanet 96169, MedGen C1864871, MONDO:0012496, OMIM 610443.

Submission:

Labcorp Genetics (formerly Invitae), Labcorp
Classification: Uncertain significance for Koolen-de Vries syndrome. Last evaluated: 2023-03-17. Review status: criteria provided, single submitter. Criteria: Invitae Variant Classification Sherloc (09022015). Collection method: clinical testing. Allele origin: germline.
Comment: This variant is not present in population databases (gnomAD no frequency). This variant has not been reported in the literature in individuals affected with KANSL1-related conditions. An algorithm developed to predict the effect of missense changes on protein structure and function (PolyPhen-2) suggests that this variant is likely to be tolerated. In summary, the available evidence is currently insufficient to determine the role of this variant in disease. Therefore, it has been classified as a Variant of Uncertain Significance. This sequence change replaces proline, which is neutral and non-polar, with threonine, which is neutral and polar, at codon 645 of the KANSL1 protein (p.Pro645Thr).

NM_015443.4(KANSL1):c.1933C>A (p.Pro645Thr)

Gene: KANSL1 (KAT8 regulatory NSL complex subunit 1). Cytogenetic location: 17q21.31.
Variant type: single nucleotide variant.
Coding change: c.1933C>A on transcript NM_015443.4 (MANE Select); coding-DNA position 1933, C replaced by A.
Protein change: p.Pro645Thr; replaces proline 645 with threonine.
Molecular consequence: missense variant.
Genome position (GRCh38, 1-based): chr17:46,050,620, G>T on the plus strand (C>A on the coding strand, the complement: KANSL1 is on the minus strand). VCF-style: chr17-46050620-G-T. GRCh37 (hg19) VCF-style: chr17-44127986-G-T.
Other names: c.1933C>A, p.Pro645Thr (NM_001193465.2, NM_001193466.2, NM_001379198.1 and 14 more transcripts); c.1831C>A, p.Pro611Thr (NM_001405859.1, NM_001405860.1, NM_001405861.1 and 1 more transcripts); c.667C>A, p.Pro223Thr (NM_001405882.1, NM_001405883.1, NM_001405884.1 and 1 more transcripts); short protein forms P223T, P611T, P645T.
Identifiers: ClinVar variation 2846430 (VCV002846430.3), dbSNP rs2510650045, ClinGen allele CA399984066.